The following is an entry in ClinVar:

ClinVar aggregate classification (germline): Uncertain significance (1 of 4 stars; one submission).

Submission:

GeneDx
Classification: Uncertain significance. Last evaluated: 2022-06-15. Review status: criteria provided, single submitter. Criteria: GeneDx Variant Classification Process June 2021. Collection method: clinical testing. Allele origin: germline. Affected: yes.
Comment: Not observed at significant frequency in large population cohorts (gnomAD); In silico analysis supports that this missense variant has a deleterious effect on protein structure/function; Has not been previously published as pathogenic or benign to our knowledge

NM_003601.4(SMARCA5):c.1378C>T (p.Pro460Ser)

Gene: SMARCA5 (SNF2 related chromatin remodeling ATPase 5; plus strand). Cytogenetic location: 4q31.21.
Variant type: single nucleotide variant.
Coding change: c.1378C>T on transcript NM_003601.4 (MANE Select); coding-DNA position 1378, C replaced by T.
Protein change: p.Pro460Ser; replaces proline 460 with serine.
Molecular consequence: missense variant.
Genome position (GRCh38, 1-based): chr4:143,536,561, C>T. VCF-style: chr4-143536561-C-T. GRCh37 (hg19) VCF-style: chr4-144457714-C-T.
Other names: short protein forms P460S.
Identifiers: ClinVar variation 1804330 (VCV001804330.1), dbSNP rs2531497464, ClinGen allele CA358332824.